The following is an entry in ClinVar:

NM_181882.3(PRX):c.4157C>A (p.Pro1386His)

Gene: PRX (periaxin; minus strand). Cytogenetic location: 19q13.2.
Variant type: single nucleotide variant.
Coding change: c.4157C>A on transcript NM_181882.3 (MANE Select); coding-DNA position 4157, C replaced by A.
Protein change: p.Pro1386His; replaces proline 1386 with histidine.
Molecular consequence: missense variant. On other transcripts: 3 prime UTR variant (1).
Genome position (GRCh38, 1-based): chr19:40,394,195, G>T on the plus strand (C>A on the coding strand, the complement: PRX is on the minus strand). VCF-style: chr19-40394195-G-T. GRCh37 (hg19) VCF-style: chr19-40900102-G-T.
Other names: c.*4362C>A (NM_020956.2); short protein forms P1386H.
Identifiers: ClinVar variation 329246 (VCV000329246.13), dbSNP rs372582520, ClinGen allele CA9443676.

ClinVar aggregate classification (germline): Uncertain significance. Review status: criteria provided, multiple submitters, no conflicts (2 of 4 stars). 4 submissions from 4 submitters: Uncertain significance (4). Last evaluated 2026-03-17.

Conditions:
Charcot-Marie-Tooth disease type 4. Also called: Charcot-Marie-Tooth disease, type IV; Charcot-Marie-Tooth, Type 4. Identifiers: Orphanet 64749, MedGen C4082197, MONDO:0018995.
Charcot-Marie-Tooth disease type 4F. Also called: Charcot-Marie-Tooth disease, demyelinating, type 4F. Identifiers: Orphanet 99952, MedGen C3540453, MONDO:0013959, OMIM 614895.
PRX-related disorder. Also called: PRX-Related Disorders; PRX-related condition.

Allele frequency attached by ClinVar (database versions not stated): gnomAD 0.00007; ESP Exome Variant Server 0.00008; TOPMed 0.00008.
gnomAD v4.1: 128 of 1,589,802 alleles (0.0081%); highest among the groups gnomAD compares: Non-Finnish European, 0.01%; no homozygotes.

Submissions (4):

PreventionGenetics, part of Exact Sciences
Classification: Uncertain significance for PRX-related condition. Last evaluated: 2026-03-17. Review status: criteria provided, single submitter. Criteria: ACMG Guidelines, 2015. Collection method: clinical testing. Allele origin: germline.
Comment: The PRX c.4157C>A variant is predicted to result in the amino acid substitution p.Pro1386His. To our knowledge, this variant has not been reported in the literature. This variant is reported in 0.0041% of alleles in individuals of European (non-Finnish) descent in gnomAD. At this time, the clinical significance of this variant is uncertain due to the absence of conclusive functional and genetic evidence.

GeneDx
Classification: Uncertain significance. Last evaluated: 2022-04-25. Review status: criteria provided, single submitter. Criteria: GeneDx Variant Classification Process June 2021. Collection method: clinical testing. Allele origin: germline. Affected: yes.
Comment: Not observed at significant frequency in large population cohorts (gnomAD); In silico analysis, which includes protein predictors and evolutionary conservation, supports a deleterious effect; Has not been previously published as pathogenic or benign to our knowledge

Labcorp Genetics (formerly Invitae), Labcorp
Classification: Uncertain significance for Charcot-Marie-Tooth disease type 4. Last evaluated: 2022-01-26. Review status: criteria provided, single submitter. Criteria: Invitae Variant Classification Sherloc (09022015). Collection method: clinical testing. Allele origin: germline.
Comment: This sequence change replaces proline, which is neutral and non-polar, with histidine, which is basic and polar, at codon 1386 of the PRX protein (p.Pro1386His). This variant is present in population databases (rs372582520, gnomAD 0.005%). This variant has not been reported in the literature in individuals affected with PRX-related conditions. ClinVar contains an entry for this variant (Variation ID: 329246). Algorithms developed to predict the effect of missense changes on protein structure and function (SIFT, PolyPhen-2, Align-GVGD) all suggest that this variant is likely to be disruptive. In summary, the available evidence is currently insufficient to determine the role of this variant in disease. Therefore, it has been classified as a Variant of Uncertain Significance.

Illumina Laboratory Services, Illumina
Classification: Uncertain significance for Charcot-Marie-Tooth disease type 4F. Last evaluated: 2018-01-13. Review status: criteria provided, single submitter. Criteria: ICSL Variant Classification Criteria 13 December 2019. Collection method: clinical testing. Allele origin: germline.